The following is an entry in ClinVar:

ClinVar aggregate classification (germline): Uncertain significance (1 of 4 stars; one submission).

Submission:

Labcorp Genetics (formerly Invitae), Labcorp
Classification: Uncertain significance. Last evaluated: 2024-05-02. Review status: criteria provided, single submitter. Criteria: Invitae Variant Classification Sherloc (09022015). Collection method: clinical testing. Allele origin: germline.
Comment: This sequence change replaces valine, which is neutral and non-polar, with leucine, which is neutral and non-polar, at codon 181 of the CACNA2D4 protein (p.Val181Leu). This variant is not present in population databases (gnomAD no frequency). This variant has not been reported in the literature in individuals affected with CACNA2D4-related conditions. An algorithm developed to predict the effect of missense changes on protein structure and function (PolyPhen-2) suggests that this variant is likely to be tolerated. In summary, the available evidence is currently insufficient to determine the role of this variant in disease. Therefore, it has been classified as a Variant of Uncertain Significance.

NM_172364.5(CACNA2D4):c.541G>C (p.Val181Leu)

Gene: CACNA2D4 (calcium voltage-gated channel auxiliary subunit alpha2delta 4; minus strand). Cytogenetic location: 12p13.33.
Variant type: single nucleotide variant.
Coding change: c.541G>C on transcript NM_172364.5 (MANE Select); coding-DNA position 541, G replaced by C.
Protein change: p.Val181Leu; replaces valine 181 with leucine.
Molecular consequence: missense variant.
Genome position (GRCh38, 1-based): chr12:1,907,983, C>G on the plus strand (G>C on the coding strand, the complement: CACNA2D4 is on the minus strand). VCF-style: chr12-1907983-C-G. GRCh37 (hg19) VCF-style: chr12-2017149-C-G.
Other names: short protein forms V181L.
Identifiers: ClinVar variation 3685322 (VCV003685322.2).
Genomic context (GRCh38, chr12:1,907,983, plus strand): 5'-TCACCGGCAGGTTGCTGAAGTGAGCATTGGACTCCAGGAGGAACTCGGCGCCCAGCTCCA[C>G]GAAGTTGCCCTTCTCGTCCCTCTCGTTGATCAGGACCGAGTTGTAATAGTCGAACTGGGG-3'
Protein context (NP_758952.4, residues 171-191): INERDEKGNF[Val181Leu]ELGAEFLLES